The following is an entry in ClinVar:

NM_013254.4(TBK1):c.230CAA[2] (p.Thr79del)

Gene: TBK1 (TANK binding kinase 1; plus strand). Cytogenetic location: 12q14.2.
Variant type: Microsatellite.
Coding change: c.230CAA[2] on transcript NM_013254.4 (MANE Select); two copies in a row of the 3-base unit CAA starting at c.230; the reference has three copies in a row; one copy, 3 bases deleted.
Protein change: p.Thr79del; deletes threonine 79.
Molecular consequence: inframe deletion.
Genome position (GRCh38, 1-based): chr12:64,464,341-64,464,343, CAA deleted; deleting any 3 consecutive bases within chr12:64,464,334-64,464,343 gives the same sequence; the position shown is the placement nearest the transcript's 3' end. VCF-style (leftmost placement, unchanged base first): chr12-64464333-GACA-G. GRCh37 (hg19) VCF-style: chr12-64858113-GACA-G.
Other names: short protein forms T79del.
Identifiers: ClinVar variation 565435 (VCV000565435.7), dbSNP rs748007618, ClinGen allele CA6668757.

ClinVar aggregate classification (germline): Pathogenic/Likely pathogenic. Review status: criteria provided, multiple submitters, no conflicts (2 of 4 stars). 2 submissions from 2 submitters: Pathogenic (1); Likely pathogenic (1). Last evaluated 2025-10-28.

Conditions:
Frontotemporal dementia and/or amyotrophic lateral sclerosis 4. Also called: FTDALS4. Identifiers: Orphanet 275872, MedGen C4225325, MONDO:0014641, OMIM 616439.

Submissions (2):

Labcorp Genetics (formerly Invitae), Labcorp
Classification: Pathogenic for Frontotemporal dementia and/or amyotrophic lateral sclerosis 4. Last evaluated: 2025-10-28. Review status: criteria provided, single submitter. Criteria: Invitae Variant Classification Sherloc (09022015). Collection method: clinical testing. Allele origin: germline.
Comment: This variant, c.236_238del, results in the deletion of 1 amino acid(s) of the TBK1 protein (p.Thr79del), but otherwise preserves the integrity of the reading frame. This variant is present in population databases (rs748007618, gnomAD 0.001%). This variant has been observed in individuals with clinical features of TBK1-related conditions (PMID: 28889094, 29146049, 30033073; internal data). Studies have shown that this variant alters TBK1 gene expression (PMID: 28008748). Algorithms developed to predict the effect of sequence changes on RNA splicing suggest that this variant may disrupt the consensus splice site. For these reasons, this variant has been classified as Pathogenic.

Institute of Medical Genetics and Applied Genomics, University Hospital Tübingen
Classification: Likely pathogenic for Frontotemporal dementia and/or amyotrophic lateral sclerosis 4. Last evaluated: 2024-02-15. Review status: criteria provided, single submitter. Criteria: ACMG Guidelines, 2015. Collection method: clinical testing. Allele origin: germline. Inheritance: Autosomal dominant inheritance. Affected: yes.

Literature cited by the submitters: PubMed 28889094 (cited by Labcorp Genetics (formerly Invitae), Labcorp); PubMed 29146049 (cited by Labcorp Genetics (formerly Invitae), Labcorp); PubMed 30033073 (cited by Labcorp Genetics (formerly Invitae), Labcorp); PubMed 28008748 (cited by Labcorp Genetics (formerly Invitae), Labcorp).